The following is an entry in ClinVar:

NM_000071.3(CBS):c.297C>T (p.Phe99=)

Gene: CBS (cystathionine beta-synthase; minus strand). Cytogenetic location: 21q22.3.
Variant type: single nucleotide variant.
Coding change: c.297C>T on transcript NM_000071.3 (MANE Select); coding-DNA position 297, C replaced by T.
Protein change: p.Phe99=; no amino-acid change (phenylalanine 99 retained).
Molecular consequence: synonymous variant.
Genome position (GRCh38, 1-based): chr21:43,068,528, G>A on the plus strand (C>T on the coding strand, the complement: CBS is on the minus strand). VCF-style: chr21-43068528-G-A. GRCh37 (hg19) VCF-style: chr21-44488638-G-A.
Other names: c.297C>T, p.Phe99= (NM_001178008.3, NM_001178009.3, NM_001320298.2).
Identifiers: ClinVar variation 519588 (VCV000519588.23), dbSNP rs749697783, ClinGen allele CA321100347.
Genomic context (GRCh38, chr21:43,068,528, plus strand): 5'-TGTAGATGGAGGAAGCCCCTCTCCAAAGCCAGGGCACTCACAGAGCTCACACTTCAGGCC[G>A]AACTTCTTCCCAATCTTGTTGATTCTGACCATAGGGGTGTCCCCGATTTTCTTCAGAATA-3'
Protein context (NP_000062.1, residues 89-109): MVRINKIGKK[Phe99=]GLKCELLAKC

ClinVar aggregate classification (germline): Likely benign. Review status: criteria provided, multiple submitters, no conflicts (2 of 4 stars). 3 submissions from 3 submitters: Likely benign (3). Last evaluated 2026-01-28.

Conditions:
HYPERHOMOCYSTEINEMIA, THROMBOTIC, CBS-RELATED. Identifiers: MedGen C3150344, OMIM 236200.
Familial thoracic aortic aneurysm and aortic dissection (TAAD). Also called: Thoracic aortic aneurysms and dissections. Identifiers: Orphanet 91387, MedGen C4707243, MONDO:0019625.

Allele frequency attached by ClinVar (database versions not stated): gnomAD exomes 0.00002; ExAC 0.00003.

Submissions (3):

Labcorp Genetics (formerly Invitae), Labcorp
Classification: Likely benign for HYPERHOMOCYSTEINEMIA, THROMBOTIC, CBS-RELATED. Last evaluated: 2026-01-28. Review status: criteria provided, single submitter. Criteria: Invitae Variant Classification Sherloc (09022015). Collection method: clinical testing. Allele origin: germline.

CeGaT Center for Human Genetics Tuebingen
Classification: Likely benign. Last evaluated: 2025-06-01. Review status: criteria provided, single submitter. Criteria: CeGaT Center For Human Genetics Tuebingen Variant Classification Criteria Version 2. Collection method: clinical testing. Allele origin: germline. Affected: yes. Observed: 1 variant allele.
Comment: CBS: BP4, BP7

Ambry Genetics
Classification: Likely benign for Familial thoracic aortic aneurysm and aortic dissection. Last evaluated: 2016-08-04. Review status: criteria provided, single submitter. Criteria: Ambry Variant Classification Scheme 2023. Collection method: clinical testing. Allele origin: germline.